The following is an entry in ClinVar:

NM_053025.4(MYLK):c.3949G>T (p.Gly1317Cys)

Gene: MYLK (myosin light chain kinase; minus strand). Cytogenetic location: 3q21.1.
Variant type: single nucleotide variant.
Coding change: c.3949G>T on transcript NM_053025.4 (MANE Select); coding-DNA position 3949, G replaced by T.
Protein change: p.Gly1317Cys; replaces glycine 1317 with cysteine.
Molecular consequence: missense variant.
Genome position (GRCh38, 1-based): chr3:123,664,141, C>A on the plus strand (G>T on the coding strand, the complement: MYLK is on the minus strand). VCF-style: chr3-123664141-C-A. GRCh37 (hg19) VCF-style: chr3-123382988-C-A.
Other names: c.3421G>T, p.Gly1141Cys (NM_001321309.2); c.3742G>T, p.Gly1248Cys (NM_053026.4, NM_053028.4); c.3949G>T, p.Gly1317Cys (NM_053027.4); short protein forms G1317C, G1248C, G1141C.
Identifiers: ClinVar variation 2740140 (VCV002740140.3), dbSNP rs775014243, ClinGen allele CA354228871.

ClinVar aggregate classification (germline): Uncertain significance (1 of 4 stars; one submission).

Conditions:
Aortic aneurysm, familial thoracic 7 (AAT7). Also called: AORTIC DISSECTION, FAMILIAL, WITH OR WITHOUT AORTIC ANEURYSM. Identifiers: MedGen C3151077, MONDO:0013418, OMIM 613780.

Submission:

Labcorp Genetics (formerly Invitae), Labcorp
Classification: Uncertain significance for Aortic aneurysm, familial thoracic 7. Last evaluated: 2023-09-06. Review status: criteria provided, single submitter. Criteria: Invitae Variant Classification Sherloc (09022015). Collection method: clinical testing. Allele origin: germline.
Comment: In summary, the available evidence is currently insufficient to determine the role of this variant in disease. Therefore, it has been classified as a Variant of Uncertain Significance. Experimental studies have shown that this missense change affects MYLK function (PMID: 29925964). Advanced modeling of protein sequence and biophysical properties (such as structural, functional, and spatial information, amino acid conservation, physicochemical variation, residue mobility, and thermodynamic stability) performed at Invitae indicates that this missense variant is not expected to disrupt MYLK protein function. This missense change has been observed in individual(s) with clinical features of MYLK-related conditions (PMID: 29925964). This variant is not present in population databases (gnomAD no frequency). This sequence change replaces glycine, which is neutral and non-polar, with cysteine, which is neutral and slightly polar, at codon 1317 of the MYLK protein (p.Gly1317Cys).

Literature cited by the submitters: PubMed 29925964.